The following is an entry in ClinVar:

ClinVar aggregate classification (germline): Pathogenic. Review status: criteria provided, multiple submitters, no conflicts (2 of 4 stars). 4 submissions from 4 submitters: Pathogenic (4). Last evaluated 2025-09-24.

Conditions:
Cardiovascular phenotype. Identifiers: MedGen CN230736.
Hereditary cancer-predisposing syndrome. Also called: Hereditary Cancer Syndrome; Tumor predisposition; Neoplastic Syndromes, Hereditary; Hereditary neoplastic syndrome. Identifiers: Orphanet 140162, MedGen C0027672, MeSH D009386, MONDO:0015356.
Neurofibromatosis, type 1 (NF1). Also called: Peripheral type neurofibromatosis; VON RECKLINGHAUSEN DISEASE; NEUROFIBROMATOSIS, TYPE I, SOMATIC; Neurofibromatosis, type I. Identifiers: Orphanet 636, MedGen C0027831, MONDO:0018975, OMIM 162200. Disease mechanism: loss of function.

Submissions (4):

Ambry Genetics
Classification: Pathogenic for Cardiovascular phenotype; Hereditary cancer-predisposing syndrome. Last evaluated: 2025-09-24. Review status: criteria provided, single submitter. Criteria: Ambry Variant Classification Scheme 2023. Collection method: clinical testing. Allele origin: germline.
Comment: The c.730+1G>A intronic pathogenic mutation results from a G to A substitution one nucleotide after coding exon 7 of the NF1 gene. This alteration has been identified in an individual meeting NIH diagnostic criteria for neurofibromatosis type 1 (NF1) (Ribeiro MJ et al. Invest Ophthalmol Vis Sci, 2012 Jan;53:287-93; Violante IR et al. Brain, 2013 Mar;136:918-25). This variant is considered to be rare based on population cohorts in the Genome Aggregation Database (gnomAD). This nucleotide position is highly conserved in available vertebrate species. In silico splice site analysis predicts that this alteration will weaken the native splice donor site. Alterations that disrupt the canonical splice site are expected to cause aberrant splicing, resulting in an abnormal protein or a transcript that is subject to nonsense-mediated mRNA decay. As such, this alteration is classified as a disease-causing mutation.

Labcorp Genetics (formerly Invitae), Labcorp
Classification: Pathogenic for Neurofibromatosis, type 1. Last evaluated: 2024-12-04. Review status: criteria provided, single submitter. Criteria: Invitae Variant Classification Sherloc (09022015). Collection method: clinical testing. Allele origin: germline.
Comment: This sequence change affects a donor splice site in intron 7 of the NF1 gene. It is expected to disrupt RNA splicing. Variants that disrupt the donor or acceptor splice site typically lead to a loss of protein function (PMID: 16199547), and loss-of-function variants in NF1 are known to be pathogenic (PMID: 10712197, 23913538). This variant is not present in population databases (gnomAD no frequency). Disruption of this splice site has been observed in individuals with neurofibromatosis type 1 (PMID: 21354044, 22190595, 23404336). ClinVar contains an entry for this variant (Variation ID: 503700). Algorithms developed to predict the effect of sequence changes on RNA splicing suggest that this variant may disrupt the consensus splice site. For these reasons, this variant has been classified as Pathogenic.

Genome-Nilou Lab
Classification: Pathogenic for Neurofibromatosis, type 1. Last evaluated: 2022-03-15. Review status: criteria provided, single submitter. Criteria: ACMG Guidelines, 2015. Collection method: clinical testing. Allele origin: germline. Affected: no.

GeneDx
Classification: Pathogenic. Last evaluated: 2021-07-20. Review status: criteria provided, single submitter. Criteria: GeneDx Variant Classification Process June 2021. Collection method: clinical testing. Allele origin: germline. Affected: yes.
Comment: Canonical splice site variant in a gene for which loss-of-function is a known mechanism of disease; Not observed at significant frequency in large population cohorts (Lek et al., 2016); This variant is associated with the following publications: (PMID: 27535533, 22190595, 12807981, 23404336)

Literature cited by the submitters: PubMed 22190595 (cited by Ambry Genetics and Labcorp Genetics (formerly Invitae), Labcorp); PubMed 23404336 (cited by Ambry Genetics and Labcorp Genetics (formerly Invitae), Labcorp); PubMed 16199547 (cited by Labcorp Genetics (formerly Invitae), Labcorp); PubMed 10712197 (cited by Labcorp Genetics (formerly Invitae), Labcorp); PubMed 23913538 (cited by Labcorp Genetics (formerly Invitae), Labcorp); PubMed 21354044 (cited by Labcorp Genetics (formerly Invitae), Labcorp).

NM_001042492.3(NF1):c.730+1G>A

Gene: NF1 (neurofibromin 1; plus strand). Cytogenetic location: 17q11.2.
Variant type: single nucleotide variant.
Coding change: c.730+1G>A on transcript NM_001042492.3 (MANE Select); the canonical splice donor site of the intron after coding-DNA position 730, G replaced by A.
Molecular consequence: splice donor variant.
Genome position (GRCh38, 1-based): chr17:31,181,786, G>A. VCF-style: chr17-31181786-G-A. GRCh37 (hg19) VCF-style: chr17-29508804-G-A.
Other names: c.730+1G>A (NM_000267.4, NM_001128147.3).
Identifiers: ClinVar variation 503700 (VCV000503700.14), dbSNP rs1060500274, ClinGen allele CA398990261.